The following is an entry in ClinVar:

ClinVar aggregate classification (germline): Pathogenic (1 of 4 stars; one submission).

Conditions:
Interstitial lung disease due to ABCA3 deficiency. Also called: PULMONARY ALVEOLAR PROTEINOSIS, CONGENITAL, 3. Identifiers: Orphanet 440402, MedGen C1970456, MONDO:0012582, OMIM 610921.

Submission:

Myriad Genetics, Inc.
Classification: Pathogenic for Interstitial lung disease due to ABCA3 deficiency. Last evaluated: 2025-06-15. Review status: criteria provided, single submitter. Criteria: Myriad Autosomal Dominant, Autosomal Recessive and X-Linked Classification Criteria (2023). Collection method: clinical testing. Allele origin: unknown.
Comment: NM_001089.2(ABCA3):c.50delT(L17Rfs*8) is expected to be pathogenic in the context of surfactant deficiency, ABCA3-related. This variant is predicted to lead to an abnormal or absent protein product due to the creation of a premature termination codon in ABCA3, a gene where loss-of-function variants are known to be pathogenic. Please note: this variant was assessed in the context of healthy population screening.

NM_001089.3(ABCA3):c.50del (p.Leu17fs)

Gene: ABCA3 (ATP binding cassette subfamily A member 3; minus strand). Cytogenetic location: 16p13.3.
Variant type: Deletion.
Coding change: c.50del on transcript NM_001089.3 (MANE Select); coding-DNA position 50, one base deleted (T; older notation c.50delT).
Protein change: p.Leu17fs; shifts the reading frame from leucine 17.
Molecular consequence: frameshift variant.
Genome position (GRCh38, 1-based): chr16:2,326,417, A deleted on the plus strand (T on the coding strand, the reverse complement: ABCA3 is on the minus strand). VCF-style (leftmost placement, unchanged base first): chr16-2326416-CA-C. GRCh37 (hg19) VCF-style: chr16-2376417-CA-C.
Other names: short protein forms L17fs.
Identifiers: ClinVar variation 5014601 (VCV005014601.1).